The following is an entry in ClinVar:

NM_020822.3(KCNT1):c.2881dup (p.Arg961fs)

Gene: KCNT1 (potassium sodium-activated channel subfamily T member 1; plus strand). Cytogenetic location: 9q34.3.
Variant type: Duplication.
Coding change: c.2881dup on transcript NM_020822.3 (MANE Select); coding-DNA position 2881, one base duplicated (C; older notation c.2881dupC).
Protein change: p.Arg961fs; shifts the reading frame from arginine 961.
Molecular consequence: frameshift variant.
Genome position (GRCh38, 1-based): chr9:135,784,063, C duplicated; the last of 2 consecutive C bases (chr9:135,784,062-135,784,063); duplicating either gives the same sequence. VCF-style (leftmost placement, unchanged base first): chr9-135784061-T-TC. GRCh37 (hg19) VCF-style: chr9-138675907-T-TC.
Other names: c.2746dup, p.Arg916fs (NM_001272003.2); short protein forms R916fs, R961fs.
Identifiers: ClinVar variation 3756327 (VCV003756327.2).

ClinVar aggregate classification (germline): Uncertain significance (1 of 4 stars; one submission).

Conditions:
Autosomal dominant nocturnal frontal lobe epilepsy 5. Also called: KCNT1-Related Epilepsy; CILIARY DYSKINESIA, PRIMARY, 28, WITHOUT SITUS INVERSUS; CILIARY DYSKINESIA, PRIMARY, 28, WITH SITUS INVERSUS; Epilepsy, nocturnal frontal lobe, 5. Identifiers: Orphanet 98784, MedGen C3554306, MONDO:0014002, OMIM 615005.
Developmental and epileptic encephalopathy, 14 (DEE14). Also called: Early infantile epileptic encephalopathy 14. Identifiers: Orphanet 293181, MedGen C3554195, MONDO:0013989, OMIM 614959.

Submission:

Labcorp Genetics (formerly Invitae), Labcorp
Classification: Uncertain significance for Autosomal dominant nocturnal frontal lobe epilepsy 5; Developmental and epileptic encephalopathy, 14. Last evaluated: 2024-05-13. Review status: criteria provided, single submitter. Criteria: Invitae Variant Classification Sherloc (09022015). Collection method: clinical testing. Allele origin: germline.
Comment: This sequence change creates a premature translational stop signal (p.Arg961Profs*110) in the KCNT1 gene. It is expected to result in an absent or disrupted protein product. However, the current clinical and genetic evidence is not sufficient to establish whether loss-of-function variants in KCNT1 cause disease. This variant is not present in population databases (gnomAD no frequency). This variant has not been reported in the literature in individuals affected with KCNT1-related conditions. In summary, the available evidence is currently insufficient to determine the role of this variant in disease. Therefore, it has been classified as a Variant of Uncertain Significance.